The following is an entry in ClinVar:

ClinVar aggregate classification (germline): Conflicting classifications of pathogenicity. Review status: criteria provided, conflicting classifications (1 of 4 stars). 3 submissions from 3 submitters: Uncertain significance (2); Likely benign (1). Last evaluated 2025-10-01.

Conditions:
Hereditary cancer-predisposing syndrome. Also called: Hereditary Cancer Syndrome; Hereditary neoplastic syndrome; Neoplastic Syndromes, Hereditary; Tumor predisposition. Identifiers: Orphanet 140162, MedGen C0027672, MeSH D009386, MONDO:0015356.
Ataxia-telangiectasia syndrome (AT). Also called: Ataxia-telangiectasia, complementation group E; LOUIS-BAR SYNDROME; Cerebello-oculocutaneous telangiectasia; Immunodeficiency with ataxia telangiectasia; Ataxia-telangiectasia, complementation group D; AT, COMPLEMENTATION GROUP C. Identifiers: Orphanet 100, MedGen C0004135, MONDO:0008840, OMIM 208900.

Allele frequency attached by ClinVar (database versions not stated): gnomAD exomes below 0.00001; gnomAD 0.00001; TOPMed 0.00002.
gnomAD v4.1: 4 of 1,590,950 alleles (0.00025%); highest among the groups gnomAD compares: African/African-American, 0.004%; no homozygotes.

Submissions (3):

Labcorp Genetics (formerly Invitae), Labcorp
Classification: Likely benign for Ataxia-telangiectasia syndrome. Last evaluated: 2025-10-01. Review status: criteria provided, single submitter. Criteria: Invitae Variant Classification Sherloc (09022015). Collection method: clinical testing. Allele origin: germline.

Color Diagnostics, LLC DBA Color Health
Classification: Uncertain significance for Hereditary cancer-predisposing syndrome. Last evaluated: 2022-08-22. Review status: criteria provided, single submitter. Criteria: ACMG Guidelines, 2015. Collection method: clinical testing. Allele origin: germline.
Comment: This variant causes a T to A nucleotide substitution at the -11 position of intron 13 of the ATM gene. To our knowledge, functional studies have not been reported for this variant. This variant has not been reported in individuals affected with hereditary cancer in the literature. This variant has not been identified in the general population by the Genome Aggregation Database (gnomAD). The available evidence is insufficient to determine the role of this variant in disease conclusively. Therefore, this variant is classified as a Variant of Uncertain Significance.

GeneDx
Classification: Uncertain significance. Last evaluated: 2019-08-19. Review status: criteria provided, single submitter. Criteria: GeneDx Variant Classification Process June 2021. Collection method: clinical testing. Allele origin: germline. Affected: yes.
Comment: Not observed in large population cohorts (Lek et al., 2016); Has not been previously published as pathogenic or benign to our knowledge; In-silico analysis, which includes splice predictors and evolutionary conservation, is inconclusive as to whether the variant alters gene splicing. In the absence of RNA/functional studies, the actual effect of this sequence change is unknown.

NM_000051.4(ATM):c.2125-11T>A

Gene: ATM (ATM serine/threonine kinase; plus strand). Cytogenetic location: 11q22.3.
Variant type: single nucleotide variant.
Coding change: c.2125-11T>A on transcript NM_000051.4 (MANE Select); 11 bases into the intron before coding-DNA position 2125, T replaced by A.
Molecular consequence: intron variant.
Genome position (GRCh38, 1-based): chr11:108,256,204, T>A. VCF-style: chr11-108256204-T-A. GRCh37 (hg19) VCF-style: chr11-108126931-T-A.
Other names: c.2125-11T>A (NM_001351834.2).
Identifiers: ClinVar variation 923823 (VCV000923823.14), dbSNP rs1054208254, ClinGen allele CA228397226.